The following is an entry in ClinVar:

NM_032603.5(LOXL3):c.934G>A (p.Gly312Ser)

Gene: LOXL3 (lysyl oxidase like 3; minus strand). Cytogenetic location: 2p13.1.
Variant type: single nucleotide variant.
Coding change: c.934G>A on transcript NM_032603.5 (MANE Select); coding-DNA position 934, G replaced by A.
Protein change: p.Gly312Ser; replaces glycine 312 with serine.
Molecular consequence: missense variant. On other transcripts: 5 prime UTR variant (1).
Genome position (GRCh38, 1-based): chr2:74,536,450, C>T on the plus strand (G>A on the coding strand, the complement: LOXL3 is on the minus strand). VCF-style: chr2-74536450-C-T. GRCh37 (hg19) VCF-style: chr2-74763577-C-T.
Other names: c.934G>A (NM_032603.2, NM_032603.4); c.499G>A, p.Gly167Ser (NM_001289164.3); c.-150G>A (NM_001289165.2); short protein forms G167S, G312S.
Identifiers: ClinVar variation 1401711 (VCV001401711.5), dbSNP rs747485090, ClinGen allele CA1729026.

ClinVar aggregate classification (germline): Uncertain significance. Review status: criteria provided, multiple submitters, no conflicts (2 of 4 stars). 3 submissions from 3 submitters: Uncertain significance (3). Last evaluated 2025-05-19.

Conditions:
LOXL3-related disorder. Also called: LOXL3-related condition.

Allele frequency attached by ClinVar (database versions not stated): gnomAD 0.00001; gnomAD exomes 0.00001 and 0.00002; TOPMed 0.00001; ExAC 0.00004.
gnomAD v4.1: 22 of 1,613,594 alleles (0.0014%); highest among the groups gnomAD compares: Middle Eastern, 0.017%; no homozygotes.

Submissions (3):

PreventionGenetics, part of Exact Sciences
Classification: Uncertain significance for LOXL3-related condition. Last evaluated: 2025-05-19. Review status: criteria provided, single submitter. Criteria: ACMG Guidelines, 2015. Collection method: clinical testing. Allele origin: germline.
Comment: The LOXL3 c.934G>A variant is predicted to result in the amino acid substitution p.Gly312Ser. To our knowledge, this variant has not been reported in the literature. This variant is reported in 0.0046% of alleles in individuals of European (Finnish) descent in gnomAD. At this time, the clinical significance of this variant is uncertain due to the absence of conclusive functional and genetic evidence.

Ambry Genetics
Classification: Uncertain significance. Last evaluated: 2025-04-20. Review status: criteria provided, single submitter. Criteria: Ambry Variant Classification Scheme 2023. Collection method: clinical testing. Allele origin: germline.

Labcorp Genetics (formerly Invitae), Labcorp
Classification: Uncertain significance. Last evaluated: 2022-07-06. Review status: criteria provided, single submitter. Criteria: Invitae Variant Classification Sherloc (09022015). Collection method: clinical testing. Allele origin: germline.
Comment: This sequence change replaces glycine, which is neutral and non-polar, with serine, which is neutral and polar, at codon 312 of the LOXL3 protein (p.Gly312Ser). This variant is present in population databases (rs747485090, gnomAD 0.005%). This variant has not been reported in the literature in individuals affected with LOXL3-related conditions. ClinVar contains an entry for this variant (Variation ID: 1401711). Algorithms developed to predict the effect of missense changes on protein structure and function (SIFT, PolyPhen-2, Align-GVGD) all suggest that this variant is likely to be disruptive. In summary, the available evidence is currently insufficient to determine the role of this variant in disease. Therefore, it has been classified as a Variant of Uncertain Significance.